The following is an entry in ClinVar:

NM_024334.3(TMEM43):c.1073C>T (p.Ser358Leu)

Gene: TMEM43 (transmembrane protein 43; plus strand). Cytogenetic location: 3p25.1.
Variant type: single nucleotide variant.
Coding change: c.1073C>T on transcript NM_024334.3 (MANE Select); coding-DNA position 1073, C replaced by T.
Protein change: p.Ser358Leu; replaces serine 358 with leucine.
Molecular consequence: missense variant.
Genome position (GRCh38, 1-based): chr3:14,141,665, C>T. VCF-style: chr3-14141665-C-T. GRCh37 (hg19) VCF-style: chr3-14183165-C-T.
Other names: p.S358L:TCG>TTG; short protein forms S358L.
Identifiers: ClinVar variation 734 (VCV000000734.71), dbSNP rs63750743, ClinGen allele CA024568.

ClinVar aggregate classification (germline): Pathogenic. Review status: criteria provided, multiple submitters, no conflicts (2 of 4 stars). 21 submissions from 20 submitters: Pathogenic (16). 5 of the submissions do not count toward it. Last evaluated 2026-01-03.

Conditions:
TMEM43-related disorder. Also called: TMEM43-related condition.
Cardiovascular phenotype. Identifiers: MedGen CN230736.
Familial isolated arrhythmogenic right ventricular dysplasia. Identifiers: Orphanet 217656, MedGen C4274968, MONDO:0016342.
Arrhythmogenic right ventricular cardiomyopathy (ARVD). Also called: Cardiomyopathy, ARVC; Arrhythmogenic right ventricular dysplasia; Arrhythmogenic Right Ventricular Cardiomyopathy (ARVC); Arrhythmogenic cardiomyopathy. Identifiers: Orphanet 247, MedGen C0349788, MeSH D019571, MONDO:0016587. Disease mechanism: loss of function. Inheritance: Various modes of inheritance.
Cardiomyopathy (CMYO). Also called: Cardiomyopathies. Identifiers: Orphanet 167848, MedGen C0878544, MONDO:0004994, HP:0001638. Inheritance: Various modes of inheritance.
Primary dilated cardiomyopathy (DCM). Also called: Dilated Cardiomyopathy. Identifiers: Orphanet 217604, MedGen C0007193, MeSH D002311, MONDO:0005021, HP:0001644. Inheritance: Various modes of inheritance.
Arrhythmogenic right ventricular dysplasia 5. Also called: Arrhythmogenic Right Ventricular Dysplasia/Cardiomyopathy 5; ARRHYTHMOGENIC RIGHT VENTRICULAR DYSPLASIA, FAMILIAL, 5. Identifiers: MedGen C1858379, MONDO:0011459, OMIM 604400.
Hypertrophic cardiomyopathy. Also called: HYPERTROPHIC MYOCARDIOPATHY. Identifiers: Orphanet 217569, MedGen C0007194, MeSH D002312, MONDO:0005045, HP:0001639.

Allele frequency attached by ClinVar (database versions not stated): gnomAD exomes below 0.00001.
gnomAD v4.1: 2 of 1,614,230 alleles (0.00012%); highest among the groups gnomAD compares: Admixed American, 0.0017%; no homozygotes.

Submissions 1 to 8 of 21:

Labcorp Genetics (formerly Invitae), Labcorp
Classification: Pathogenic for Arrhythmogenic right ventricular dysplasia 5. Last evaluated: 2026-01-03. Review status: criteria provided, single submitter. Criteria: Invitae Variant Classification Sherloc (09022015). Collection method: clinical testing. Allele origin: germline.
Comment: This sequence change replaces serine, which is neutral and polar, with leucine, which is neutral and non-polar, at codon 358 of the TMEM43 protein (p.Ser358Leu). This variant is not present in population databases (gnomAD no frequency). This missense change has been observed in individual(s) with arrhythmogenic right ventricular cardiomyopathy (ARVC) (PMID: 18313022, 21214875, 22725725, 23810883, 23812740, 24598986). In at least one individual the variant was observed to be de novo. It is commonly reported in individuals of Newfoundland ancestry (PMID: 18313022, 21214875, 22725725, 23810883, 23812740, 24598986). ClinVar contains an entry for this variant (Variation ID: 734). Invitae Evidence Modeling of protein sequence and biophysical properties (such as structural, functional, and spatial information, amino acid conservation, physicochemical variation, residue mobility, and thermodynamic stability) indicates that this missense variant is not expected to disrupt TMEM43 protein function with a negative predictive value of 80%. Experimental studies have shown that this missense change affects TMEM43 function (PMID: 25343256). For these reasons, this variant has been classified as Pathogenic.

Blueprint Genetics
Classification: Pathogenic for TMEM43-related disorders. Last evaluated: 2024-04-10. Review status: criteria provided, single submitter. Criteria: ACMG Guidelines, 2015. Collection method: clinical testing. Allele origin: germline. Affected: yes. Observed: 5 variant alleles.

Color Diagnostics, LLC DBA Color Health
Classification: Pathogenic for Cardiomyopathy. Last evaluated: 2024-02-06. Review status: criteria provided, single submitter. Criteria: ACMG Guidelines, 2015. Collection method: clinical testing. Allele origin: germline.
Comment: This missense variant replaces serine with leucine at codon 358 in the third transmembrane domain of the TMEM43 protein. Computational prediction is inconclusive regarding the impact of this variant on protein structure and function (internally defined REVEL score threshold 0.5 < inconclusive < 0.7, PMID: 27666373). A functional study has shown that this variant disturbs localization of proteins involved in conduction, resulting in altered gap junction function and reduced conduction velocity in cardiac tissue (PMID: 25343256). Transgenic mice expressing the mutant protein showed the classic pathologies of arrhythmogenic right ventricular cardiomyopathy, including structural abnormalities and cardiac fibrofatty, as a result of hyper-activated NFkB-TGFb signaling pathway (PMID: 29980933). This variant has been reported in numerous individuals affected with arrhythmogenic right ventricular cardiomyopathy and is particularly common in the Newfoundland population (PMID: 18313022, 22725725, 24598986, 26513349, 30700137). This variant shows full penetrance and causes an extremely severe, lethal phenotype, especially in males (PMID: 18313022, 22725725). This variant has been shown to segregate with disease in up to 20 families (PMID: 18313022, 21214875, 24598986, 28491673). This variant has been identified to be de novo in an individual affected with arrhythmogenic right ventricular cardiomyopathy (PMID: 23812740). This variant has not been identified in the general population by the Genome Aggregation Database (gnomAD). Based on the available evidence, this variant is classified as Pathogenic.

KardioGenetik, Herz- und Diabeteszentrum NRW
Classification: Pathogenic for Arrhythmogenic right ventricular dysplasia 5. Last evaluated: 2024-01-17. Review status: criteria provided, single submitter. Criteria: ACMG Guidelines, 2015. Collection method: clinical testing. Allele origin: maternal. Observed: 1 variant allele.

3billion
Classification: Pathogenic for Arrhythmogenic right ventricular dysplasia 5. Last evaluated: 2023-09-27. Review status: criteria provided, single submitter. Criteria: ACMG Guidelines, 2015. Collection method: clinical testing. Allele origin: germline. Affected: yes.
Comment: The variant is not observed in the gnomAD v2.1.1 dataset. Predicted Consequence/Location: The majority of the known disease-causing variants of this gene are variants expected to result in premature termination of the protein. Premature termination of the protein is a common disease-causing mechanism for this gene. Same nucleotide change resulting in same amino acid change has been previously reported as pathogenic/likely pathogenic with strong evidence (ClinVar ID: VCV000000734 /PMID: 18313022). The variant has been previously reported as de novo in a similarly affected individual (PMID: 23812740). A different missense change at the same codon (p.Ser358Pro) has been reported to be associated with TMEM43 related disorder (ClinVar ID: VCV000924715). Therefore, this variant is classified as Pathogenic according to the recommendation of ACMG/AMP guideline.

Neuberg Centre For Genomic Medicine, NCGM
Classification: Pathogenic for Arrhythmogenic right ventricular dysplasia 5. Last evaluated: 2023-07-22. Review status: criteria provided, single submitter. Criteria: ACMG Guidelines, 2015. Collection method: clinical testing. Allele origin: germline. Inheritance: Autosomal dominant inheritance. Affected: yes.
Comment: The missense variant c.1073C>Tp.Ser358Leu in TMEM43 gene has been observed in heterozygous state in multiple individuals with arrhythmogenic right ventricular cardiomyopathy ARVC Milting et. al., 2015; Baskin et. al., 2013. In at least one individual the variant was observed to be de novo. It is commonly reported in individuals of Newfoundland ancestry Milting et. al., 2015; Baskin et. al., 2013. Experimental studies have shown that this missense change affects TMEM43 function Siragam et. al., 2014. The observed variant is absent in gnomAD exomes database. This variant has been submitted to the ClinVar database as Pathogenic multiple submitters. Multiple lines of computational evidence Polyphen - probably damaging, SIFT - damaging and MutationTaster - disease causing predict a damaging effect on protein structure and function for this variant. The amino acid change p.Ser358Leu in TMEM43 is predicted as conserved by GERP++ and PhyloP across 100 vertebrates. The amino acid Ser at position 358 is changed to a Leu changing protein sequence and it might alter its composition and physico-chemical properties. For these reasons, this variant has been classified as Pathogenic.

CHEO Genetics Diagnostic Laboratory, Children's Hospital of Eastern Ontario
Classification: Pathogenic for Cardiomyopathy. Last evaluated: 2023-06-21. Review status: criteria provided, single submitter. Criteria: ACMG Guidelines, 2015. Collection method: clinical testing. Allele origin: germline.

All of Us Research Program, National Institutes of Health
Classification: Pathogenic for Arrhythmogenic right ventricular dysplasia 5. Last evaluated: 2023-06-15. Review status: criteria provided, single submitter. Criteria: ACMG Guidelines, 2015. Collection method: clinical testing. Allele origin: germline. Inheritance: Autosomal dominant inheritance. Observed: 1 variant allele, 1 heterozygote.
Comment: This missense variant replaces serine with leucine at codon 358 in the third transmembrane domain of the TMEM43 protein. Computational prediction is inconclusive regarding the impact of this variant on protein structure and function (internally defined REVEL score threshold 0.5 < inconclusive < 0.7, PMID: 27666373). Splice site prediction tools suggest that this variant may not impact RNA splicing. A functional study has shown that this variant affects localization of proteins involved in conduction, alter gap junction function and reduce conduction velocity in cardiac tissue (PMID: 25343256). This variant has been reported in numerous individuals affected with arrhythmogenic right ventricular cardiomyopathy and is particularly common in the Newfoundland population (PMID: 18313022, 22725725, 24598986, 26513349). This variant shows full penetrance and causes an extremely severe, lethal phenotype, especially in males (PMID: 18313022, 22725725). This variant has been shown to segregate with disease in up to 20 families (PMID: 18313022, 21214875, 24598986, 28491673). This variant has been identified to be de novo in an individual affected with arrhythmogenic right ventricular cardiomyopathy (PMID: 23812740). This variant has not been identified in the general population by the Genome Aggregation Database (gnomAD). Based on the available evidence, this variant is classified as Pathogenic.

This study involves interpretation of variants in research participants for the purpose of population health screening. Participant phenotype was not available at the time of variant classification. Additional details can be found in publication PMID: 35346344, PMCID: PMC8962531